The following is an entry in ClinVar:

NM_013275.6(ANKRD11):c.5046C>A (p.Gly1682=)

Gene: ANKRD11 (ankyrin repeat domain 11; minus strand). Cytogenetic location: 16q24.3.
Variant type: single nucleotide variant.
Coding change: c.5046C>A on transcript NM_013275.6 (MANE Select); coding-DNA position 5046, C replaced by A.
Protein change: p.Gly1682=; no amino-acid change (glycine 1682 retained).
Molecular consequence: synonymous variant.
Genome position (GRCh38, 1-based): chr16:89,281,496, G>T on the plus strand (C>A on the coding strand, the complement: ANKRD11 is on the minus strand). VCF-style: chr16-89281496-G-T. GRCh37 (hg19) VCF-style: chr16-89347904-G-T.
Other names: c.5046C>A, p.Gly1682= (NM_001256182.2, NM_001256183.2).
Identifiers: ClinVar variation 4681516 (VCV004681516.5).
Genomic context (GRCh38, chr16:89,281,496, plus strand): 5'-GCCAGTGGGCCGGCTCTGGTCAGGCCTGGGGGACGCAGGCAGGACCTCTTTCATGTGAGG[G>T]CCTGCCAGCCAGTCTTTGGAGTCTGCACCTGATGCTGGGTGTAGCTTATTTTCCGCGGCA-3'
Protein context (NP_037407.4, residues 1672-1692): SGADSKDWLA[Gly1682=]PHMKEVLPAS

ClinVar aggregate classification (germline): Likely benign (1 of 4 stars; one submission).

Submission:

CeGaT Center for Human Genetics Tuebingen
Classification: Likely benign. Last evaluated: 2026-04-01. Review status: criteria provided, single submitter. Criteria: CeGaT Center For Human Genetics Tuebingen Variant Classification Criteria Version 2. Collection method: clinical testing. Allele origin: germline. Affected: yes. Observed: 3 variant alleles.
Comment: ANKRD11: PM2:Supporting, BP4, BP7